The following is an entry in ClinVar:

NM_016306.6(DNAJB11):c.70C>T (p.Arg24Ter)

Gene: DNAJB11 (DnaJ heat shock protein family (Hsp40) member B11; plus strand). Cytogenetic location: 3q27.3.
Variant type: single nucleotide variant.
Coding change: c.70C>T on transcript NM_016306.6 (MANE Select); coding-DNA position 70, C replaced by T.
Protein change: p.Arg24Ter; replaces arginine 24 with a stop codon.
Molecular consequence: nonsense. On other transcripts: non-coding transcript variant (6).
Genome position (GRCh38, 1-based): chr3:186,572,096, C>T. VCF-style: chr3-186572096-C-T. GRCh37 (hg19) VCF-style: chr3-186289885-C-T.
Other names: c.70C>T, p.Arg24Ter (NM_001378451.1); short protein forms R24*.
Identifiers: ClinVar variation 1172653 (VCV001172653.3), dbSNP rs2108473228, ClinGen allele CA355712821.

ClinVar aggregate classification (germline): Pathogenic. Review status: criteria provided, multiple submitters, no conflicts (2 of 4 stars). 4 submissions from 4 submitters: Pathogenic (4). Last evaluated 2026-01-30.

Conditions:
Autosomal dominant polycystic kidney disease. Identifiers: Orphanet 730, MedGen C0085413, MONDO:0004691.
Polycystic kidney disease 6 with or without polycystic liver disease. Also called: Autosomal Dominant Polycystic Kidney Disease-DNAJB11. Identifiers: MedGen C4748044, MONDO:0054842, OMIM 618061.
Renal cyst. Also called: Renal cysts; cystic kidneys; Cystic kidney disease. Identifiers: MedGen C3887499, MONDO:0002473, HP:0000107.
Polycystic kidney disease. Also called: Kidney, Polycystic; Polycystic kidney dysplasia. Identifiers: MedGen C0022680, MeSH D007690, MONDO:0020642, HP:0000113.

Allele frequency attached by ClinVar (database versions not stated): gnomAD exomes below 0.00001.
gnomAD v4.1: 2 of 1,572,632 alleles (0.00013%); highest among the groups gnomAD compares: Non-Finnish European, 0.00017%; no homozygotes.

Submissions (4):

Mayo Translational Polycystic Kidney Disease Center, Mayo Clinic
Classification: Pathogenic for Autosomal dominant polycystic kidney disease. Last evaluated: 2026-01-30. Review status: criteria provided, single submitter. Criteria: ACMG Guidelines, 2015. Collection method: research. Allele origin: germline. Inheritance: Autosomal dominant inheritance. Affected: yes.
Comment: The c.70C>T variant in the DNAJB11 gene introduces a premature stop codon at position 24 (p.Arg24Ter) and is predicted to result in a truncated protein lacking essential functional domains. This nonsense variant is expected to cause loss of function through production of a nonfunctional protein, meeting the PVS1 criterion. Loss-of-function variants in DNAJB11 are a known mechanism of disease and are associated with atypical autosomal dominant polycystic kidney disease. The variant is extremely rare, with an allele frequency of less than 0.01% in population databases such as gnomAD v4.1.0, supporting PM2. This specific variant has been reported in affected individuals within a family with kidney cystic disease (PMID: 32631624), providing supporting evidence for PP4 based on phenotype–genotype consistency. Based on the nature of the mutation, its rarity, the established disease mechanism, and supporting clinical reports, this variant is best classified as pathogenic.

Clinical Genetics and Genomics, Karolinska University Hospital
Classification: Pathogenic for Polycystic kidney disease 6 with or without polycystic liver disease. Last evaluated: 2025-06-26. Review status: criteria provided, single submitter. Criteria: ACMG Guidelines, 2015. Collection method: clinical testing. Allele origin: germline. Inheritance: Autosomal dominant inheritance. Affected: yes.

Laboratory for Molecular Medicine, Mass General Brigham Personalized Medicine
Classification: Pathogenic for Polycystic kidney disease. Last evaluated: 2022-08-30. Review status: criteria provided, single submitter. Criteria: ACMG Guidelines, 2015. Collection method: clinical testing. Allele origin: germline.
Comment: The p.Arg24X in DNAJB11 has been reported in the 3 individual with autosomal dominant polycystic kidney disease (ADPKD) (Huynh 2022 PMID: 32631624), and is absent in large population databases. This nonsense variant leads to a premature termination codon at position 24, which is predicted to lead to a truncated or absent protein. Loss of function of the DNAJB11 gene is an established disease mechanism in autosomal dominant ADPKD. In summary, this variant meets criteria to be classified as pathogenic for autosomal dominant polycystic kidney disease. ACMG/AMP criteria applied: PVS1, PS4_Moderate, PM2_Supporting.

Equipe Genetique des Anomalies du Developpement, Université de Bourgogne
Classification: Pathogenic for Renal cyst. Review status: criteria provided, single submitter. Criteria: ACMG Guidelines, 2015. Collection method: clinical testing. Allele origin: unknown. Affected: yes.

Literature cited by the submitters: PubMed 32631624 (cited by Mayo Translational Polycystic Kidney Disease Center, Mayo Clinic).